The following is an entry in ClinVar:

ClinVar aggregate classification (germline): Likely benign. Review status: criteria provided, multiple submitters, no conflicts (2 of 4 stars). 2 submissions from 2 submitters: Likely benign (2). Last evaluated 2026-02-19.

Conditions:
GSN-related disorder. Also called: GSN-related condition.

Allele frequency attached by ClinVar (database versions not stated): gnomAD exomes below 0.00001; gnomAD 0.00001; TOPMed 0.00001.

Submissions (2):

PreventionGenetics, part of Exact Sciences
Classification: Likely benign for GSN-related condition. Last evaluated: 2026-02-19. Review status: criteria provided, single submitter. Criteria: ACMG Guidelines, 2015. Collection method: clinical testing. Allele origin: germline.
Comment: This variant is classified as likely benign based on ACMG/AMP sequence variant interpretation guidelines (Richards et al. 2015 PMID: 25741868, with internal and published modifications).

Labcorp Genetics (formerly Invitae), Labcorp
Classification: Likely benign. Last evaluated: 2025-10-12. Review status: criteria provided, single submitter. Criteria: Invitae Variant Classification Sherloc (09022015). Collection method: clinical testing. Allele origin: germline.

NM_198252.3(GSN):c.754-10del

Gene: GSN (gelsolin; plus strand). Cytogenetic location: 9q33.2.
Variant type: Deletion.
Coding change: c.754-10del on transcript NM_198252.3 (MANE Select); 10 bases into the intron before coding-DNA position 754, one base deleted (G; older notation c.754-10delG).
Molecular consequence: intron variant.
Genome position (GRCh38, 1-based): chr9:121,317,076, G deleted. VCF-style (leftmost placement, unchanged base first): chr9-121317075-CG-C. GRCh37 (hg19) VCF-style: chr9-124079353-CG-C.
Other names: c.754-10del (NM_001353054.1, NM_001353053.1, NM_001353060.2 and 10 more transcripts); c.787-10del (NM_001353064.2, NM_001353066.2, NM_001353073.2 and 13 more transcripts); c.862-10del (NM_001127663.2); c.826-10del (NM_001353076.2); c.100-10del (NM_001353078.2); c.805-10del (NM_001258029.2); c.778-10del (NM_001258030.2); c.907-10del (NM_000177.5); and 1 more.
Identifiers: ClinVar variation 1542979 (VCV001542979.9), dbSNP rs1483356153, ClinGen allele CA859610177.